The following is an entry in ClinVar:

NM_001077350.3(NPRL3):c.1359C>T (p.Ser453=)

Genes: HBA-LCR (alpha-globin locus control region; plus strand), NPRL3 (NPR3 like, GATOR1 complex subunit; minus strand). Cytogenetic location: 16p13.3.
Variant type: single nucleotide variant.
Coding change: c.1359C>T on transcript NM_001077350.3 (MANE Select); coding-DNA position 1359, C replaced by T.
Protein change: p.Ser453=; no amino-acid change (serine 453 retained).
Molecular consequence: synonymous variant.
Genome position (GRCh38, 1-based): chr16:88,883, G>A on the plus strand (C>T on the coding strand, the complement: NPRL3 is on the minus strand). VCF-style: chr16-88883-G-A. GRCh37 (hg19) VCF-style: chr16-138881-G-A.
Other names: c.822C>T, p.Ser274= (NM_001039476.3); c.1125C>T, p.Ser375= (NM_001243247.2); c.1284C>T, p.Ser428= (NM_001243248.2, NM_001243249.2).
Identifiers: ClinVar variation 930426 (VCV000930426.7), dbSNP rs756373989, ClinGen allele CA7769341.
Genomic context (GRCh38, chr16:88,883, plus strand): 5'-GCTGGGAAGTAGCTCTGCGCTGGAGTTGTCCATGCTGGGGCTGGTGAGGGTCATGTCATC[G>A]CTGCTGGCTGTGGGGGACATGGGTCAGGGTGACCAAGTGGAATTCCAGGACACCCAGGGG-3'
Protein context (NP_001070818.1, residues 443-463): NALSFGSPTS[Ser453=]DDMTLTSPSM

ClinVar aggregate classification (germline): Uncertain significance. Review status: criteria provided, multiple submitters, no conflicts (2 of 4 stars). 2 submissions from 2 submitters: Uncertain significance (2). Last evaluated 2023-02-18.

Conditions:
Epilepsy, familial focal, with variable foci 3 (FFEVF3). Identifiers: MedGen C4310708, MONDO:0014925, OMIM 617118.

Allele frequency attached by ClinVar (database versions not stated): gnomAD exomes below 0.00001 and 0.00002; ExAC 0.00001; TOPMed 0.00001.
gnomAD v4.1: 21 of 1,609,672 alleles (0.0013%); highest among the groups gnomAD compares: East Asian, 0.0022%; no homozygotes.

Submissions (2):

Labcorp Genetics (formerly Invitae), Labcorp
Classification: Uncertain significance for Epilepsy, familial focal, with variable foci 3. Last evaluated: 2023-02-18. Review status: criteria provided, single submitter. Criteria: Invitae Variant Classification Sherloc (09022015). Collection method: clinical testing. Allele origin: germline.
Comment: This sequence change affects codon 453 of the NPRL3 mRNA. It is a 'silent' change, meaning that it does not change the encoded amino acid sequence of the NPRL3 protein. This variant is present in population databases (rs756373989, gnomAD 0.006%). In summary, the available evidence is currently insufficient to determine the role of this variant in disease. Therefore, it has been classified as a Variant of Uncertain Significance. Algorithms developed to predict the effect of sequence changes on RNA splicing suggest that this variant may create or strengthen a splice site. ClinVar contains an entry for this variant (Variation ID: 930426). This variant has not been reported in the literature in individuals affected with NPRL3-related conditions.

Centre for Mendelian Genomics, University Medical Centre Ljubljana
Classification: Uncertain significance for Epilepsy, familial focal, with variable foci 3. Last evaluated: 2019-02-27. Review status: criteria provided, single submitter. Criteria: ACMG Guidelines, 2015. Collection method: clinical testing. Allele origin: unknown. Affected: yes.
Comment: This variant was classified as: Uncertain significance. The available evidence on this variant's pathogenicity is insufficient or conflicting. The following ACMG criteria were applied in classifying this variant: No criteria apply.